The following is an entry in ClinVar:

NM_052813.5(CARD9):c.475G>T (p.Glu159Ter)

Gene: CARD9 (caspase recruitment domain family member 9; minus strand). Cytogenetic location: 9q34.3.
Variant type: single nucleotide variant.
Coding change: c.475G>T on transcript NM_052813.5 (MANE Select); coding-DNA position 475, G replaced by T.
Protein change: p.Glu159Ter; replaces glutamic acid 159 with a stop codon.
Molecular consequence: nonsense.
Genome position (GRCh38, 1-based): chr9:136,370,993, C>A on the plus strand (G>T on the coding strand, the complement: CARD9 is on the minus strand). VCF-style: chr9-136370993-C-A. GRCh37 (hg19) VCF-style: chr9-139265445-C-A.
Other names: c.475G>T, p.Glu159Ter (NM_052814.4); short protein forms E159*.
Identifiers: ClinVar variation 4733950 (VCV004733950.1).

ClinVar aggregate classification (germline): Pathogenic (1 of 4 stars; one submission).

Conditions:
Predisposition to invasive fungal disease due to CARD9 deficiency (IMD103). Also called: IMMUNODEFICIENCY 103, SUSCEPTIBILITY TO FUNGAL INFECTIONS; CARD9 IMMUNODEFICIENCY; Candidiasis, familial, 2, autosomal recessive. Identifiers: Orphanet 457088, MedGen C1859353, MONDO:0008905, OMIM 212050.

Submission:

Labcorp Genetics (formerly Invitae), Labcorp
Classification: Pathogenic for Predisposition to invasive fungal disease due to CARD9 deficiency. Last evaluated: 2025-12-23. Review status: criteria provided, single submitter. Criteria: Invitae Variant Classification Sherloc (09022015). Collection method: clinical testing. Allele origin: germline.
Comment: This sequence change creates a premature translational stop signal (p.Glu159*) in the CARD9 gene. It is expected to result in an absent or disrupted protein product. Loss-of-function variants in CARD9 are known to be pathogenic (PMID: 19864672, 24131138, 24231284). This variant is not present in population databases (gnomAD no frequency). This variant has not been reported in the literature in individuals affected with CARD9-related conditions. For these reasons, this variant has been classified as Pathogenic.

Literature cited by the submitters: PubMed 19864672; PubMed 24131138; PubMed 24231284.